The following is an entry in ClinVar:

NM_000059.4(BRCA2):c.459A>C (p.Pro153=)

Gene: BRCA2 (BRCA2 DNA repair associated; plus strand). Cytogenetic location: 13q13.1.
Variant type: single nucleotide variant.
Coding change: c.459A>C on transcript NM_000059.4 (MANE Select); coding-DNA position 459, A replaced by C.
Protein change: p.Pro153=; no amino-acid change (proline 153 retained).
Molecular consequence: synonymous variant.
Genome position (GRCh38, 1-based): chr13:32,326,134, A>C. VCF-style: chr13-32326134-A-C. GRCh37 (hg19) VCF-style: chr13-32900271-A-C.
Identifiers: ClinVar variation 184705 (VCV000184705.23), dbSNP rs786201631, ClinGen allele CA020532.
Genomic context (GRCh38, chr13:32,326,134, plus strand): 5'-TAAGGGATTTGCTTTGTTTTATTTTAGTCCTGTTGTTCTACAATGTACACATGTAACACC[A>C]CAAAGAGATAAGTCAGGTATGATTAAAAACAATGCTTTTTATTCTTAGAATACTAGAAAT-3'
Protein context (NP_000050.3, residues 143-163): PVVLQCTHVT[Pro153=]QRDKSVVCGS

ClinVar aggregate classification (germline): Likely benign. Review status: reviewed by expert panel (3 of 4 stars). 8 submissions from 8 submitters: Likely benign (1). 7 of the submissions do not count toward it. Last evaluated 2017-06-29.

Conditions:
Hereditary cancer-predisposing syndrome. Also called: Tumor predisposition; Neoplastic Syndromes, Hereditary; Hereditary neoplastic syndrome; Hereditary Cancer Syndrome. Identifiers: Orphanet 140162, MedGen C0027672, MeSH D009386, MONDO:0015356.
Familial cancer of breast. Also called: BREAST CANCER, FAMILIAL; hereditary breast carcinoma; Hereditary breast cancer. Identifiers: Orphanet 227535, MedGen C0346153, MONDO:0016419, OMIM 114480. Disease mechanism: loss of function.
Breast-ovarian cancer, familial, susceptibility to, 2 (BROVCA2). Also called: BRCA2 Hereditary Breast and Ovarian Cancer. Identifiers: Orphanet 145, MedGen C2675520, MONDO:0012933, OMIM 612555. Disease mechanism: loss of function.
Hereditary breast ovarian cancer syndrome. Also called: Hereditary breast and ovarian cancer syndrome; Hereditary breast and ovarian cancer syndrome (HBOC); Hereditary breast and ovarian cancer; Breast and ovarian cancer; BRCA1- and BRCA2-Associated Hereditary Breast and Ovarian Cancer; Hereditary breast and/or ovarian cancer syndrome. Identifiers: Orphanet 145, MedGen C0677776, MeSH D061325, MONDO:0003582. Disease mechanism: loss of function.

gnomAD v4.1: 2 of 1,609,524 alleles (0.00012%); highest among the groups gnomAD compares: African/African-American, 0.0013%; no homozygotes.

Submissions (8):

Evidence-based Network for the Interpretation of Germline Mutant Alleles (ENIGMA)
Classification: Likely benign for Breast-ovarian cancer, familial, susceptibility to, 2. Last evaluated: 2017-06-29. Review status: reviewed by expert panel. Criteria: ENIGMA BRCA1/2 Classification Criteria (2017-06-29). Collection method: curation. Allele origin: germline.
Comment: Synonymous substitution variant, with low bioinformatic likelihood to result in a splicing aberration (Splicing prior probability 0.02).

Labcorp Genetics (formerly Invitae), Labcorp
Classification: Likely benign for Hereditary breast ovarian cancer syndrome. Last evaluated: 2024-11-16. Review status: criteria provided, single submitter. Criteria: Invitae Variant Classification Sherloc (09022015). Collection method: clinical testing. Allele origin: germline. Not counted in ClinVar's aggregate classification.

Department of Pathology and Laboratory Medicine, Sinai Health System
Classification: Likely benign for Familial cancer of breast; Breast-ovarian cancer, familial, susceptibility to, 2. Last evaluated: 2024-02-28. Review status: criteria provided, single submitter. Criteria: ACMG Guidelines, 2015. Collection method: clinical testing. Allele origin: germline. Affected: yes. Not counted in ClinVar's aggregate classification.

All of Us Research Program, National Institutes of Health
Classification: Likely benign for Breast-ovarian cancer, familial, susceptibility to, 2. Last evaluated: 2023-12-13. Review status: criteria provided, single submitter. Criteria: ACMG Guidelines, 2015. Collection method: clinical testing. Allele origin: germline. Inheritance: Autosomal dominant inheritance. Observed: 2 variant alleles, 2 heterozygotes. Not counted in ClinVar's aggregate classification.
Comment: This study involves interpretation of variants in research participants for the purpose of population health screening. Participant phenotype was not available at the time of variant classification. Additional details can be found in publication PMID: 35346344, PMCID: PMC8962531

Blueprint Genetics
Classification: Likely benign. Last evaluated: 2023-01-19. Review status: criteria provided, single submitter. Criteria: ACMG Guidelines, 2015. Collection method: clinical testing. Allele origin: germline. Not counted in ClinVar's aggregate classification.

Color Diagnostics, LLC DBA Color Health
Classification: Likely benign for Hereditary cancer-predisposing syndrome. Last evaluated: 2018-12-03. Review status: criteria provided, single submitter. Criteria: ACMG Guidelines, 2015. Collection method: clinical testing. Allele origin: germline. Not counted in ClinVar's aggregate classification.

GeneDx
Classification: Likely benign. Last evaluated: 2017-03-05. Review status: criteria provided, single submitter. Criteria: GeneDx Variant Classification (06012015). Collection method: clinical testing. Allele origin: germline. Affected: yes. Not counted in ClinVar's aggregate classification.
Comment: This variant is considered likely benign or benign based on one or more of the following criteria: it is a conservative change, it occurs at a poorly conserved position in the protein, it is predicted to be benign by multiple in silico algorithms, and/or has population frequency not consistent with disease.

Ambry Genetics
Classification: Likely benign for Hereditary cancer-predisposing syndrome. Last evaluated: 2014-06-23. Review status: criteria provided, single submitter. Criteria: Ambry Variant Classification Scheme 2023. Collection method: clinical testing. Allele origin: germline. Not counted in ClinVar's aggregate classification.

Literature cited by the submitters: PubMed 18844490 (cited by Ambry Genetics).